The following is an entry in ClinVar:

NC_000007.14:g.74650580T>C

Gene: GTF2I (general transcription factor IIi; plus strand). Cytogenetic location: 7q11.23.
Variant type: single nucleotide variant.
Genome position: GRCh38 VCF-style: chr7-74650580-T-C. GRCh37 (hg19) VCF-style: chr7-74064920-T-C.
Identifiers: ClinVar variation 5039780 (VCV005039780.1).
Genomic context (GRCh38, chr7:74,650,580, plus strand): 5'-GCTAGTTTTGCTGTCTCACCTCCAACTGCTAAAGTGACGGCCACAGTGCGTGATAAGTGC[T>C]TAGTTAAGATGGAACAGGCACTGCATTTGTGGGTGGAAGAGATGAACAGAAAACGTGTCC-3'

ClinVar aggregate classification (germline): Likely benign (1 of 4 stars; one submission).

Submission:

CeGaT Center for Human Genetics Tuebingen
Classification: Likely benign. Last evaluated: 2026-08-01. Review status: criteria provided, single submitter. Criteria: CeGaT Center For Human Genetics Tuebingen Variant Classification Criteria Version 2. Collection method: clinical testing. Allele origin: germline. Affected: yes. Observed: 1 variant allele.
Comment: GTF2I: BP4, BP7